The following is an entry in ClinVar:

NM_001807.6(CEL):c.1079C>G (p.Thr360Arg)

Gene: CEL (carboxyl ester lipase; plus strand). Cytogenetic location: 9q34.13.
Variant type: single nucleotide variant.
Coding change: c.1079C>G on transcript NM_001807.6 (MANE Select); coding-DNA position 1079, C replaced by G.
Protein change: p.Thr360Arg; replaces threonine 360 with arginine.
Molecular consequence: missense variant.
Genome position (GRCh38, 1-based): chr9:133,068,855, C>G. VCF-style: chr9-133068855-C-G. GRCh37 (hg19) VCF-style: chr9-135944242-C-G.
Other names: short protein forms T360R.
Identifiers: ClinVar variation 4281363 (VCV004281363.7).
Genomic context (GRCh38, chr9:133,068,855, plus strand): 5'-ACGGCCACATCTTCGCCAGCATCGACATGCCTGCCATCAACAAGGGCAACAAGAAAGTCA[C>G]GGAGTAAGCAGGGGGCACAGGACTCAGGGGCGACCCGTGCGGGAGGGCCGCCGGGAAAGC-3'
Protein context (NP_001798.3, residues 350-370): PAINKGNKKV[Thr360Arg]EEDFYKLVSE

ClinVar aggregate classification (germline): Uncertain significance (1 of 4 stars; one submission).

Submission:

CeGaT Center for Human Genetics Tuebingen
Classification: Uncertain significance. Last evaluated: 2025-12-01. Review status: criteria provided, single submitter. Criteria: CeGaT Center For Human Genetics Tuebingen Variant Classification Criteria Version 2. Collection method: clinical testing. Allele origin: germline. Affected: yes. Observed: 2 variant alleles.
Comment: CEL: PM2, BP4